The following is an entry in ClinVar:

ClinVar aggregate classification (germline): Pathogenic. Review status: criteria provided, multiple submitters, no conflicts (2 of 4 stars). 2 submissions from 2 submitters: Pathogenic (2). Last evaluated 2024-04-01.

Conditions:
Ellis-van Creveld syndrome (EVC). Also called: MESOECTODERMAL DYSPLASIA; Chondroectodermal dysplasia. Identifiers: Orphanet 289, MedGen C0013903, MONDO:0009162, OMIM 225500.
Curry-Hall syndrome (WAD). Also called: WEYERS ACRODENTAL DYSOSTOSIS. Identifiers: Orphanet 952, MedGen C0457013, MONDO:0008673, OMIM 193530.

Allele frequency attached by ClinVar (database versions not stated): gnomAD 0.00001.

Submissions (2):

Myriad Genetics, Inc.
Classification: Pathogenic for Ellis-van Creveld syndrome. Last evaluated: 2024-04-01. Review status: criteria provided, single submitter. Criteria: Myriad Autosomal Dominant, Autosomal Recessive and X-Linked Classification Criteria (2023). Collection method: clinical testing. Allele origin: unknown.
Comment: NM_147127.4(EVC2):c.1163delT(L388Rfs*24) is expected to be pathogenic in the context of EVC2-related Ellis-van Creveld syndrome. This variant is predicted to lead to an abnormal or absent protein product due to the creation of a premature termination codon in EVC2, a gene where loss-of-function variants are known to be pathogenic. Please note: this variant was assessed in the context of healthy population screening.

Labcorp Genetics (formerly Invitae), Labcorp
Classification: Pathogenic for Curry-Hall syndrome; Ellis-van Creveld syndrome. Last evaluated: 2023-09-08. Review status: criteria provided, single submitter. Criteria: Invitae Variant Classification Sherloc (09022015). Collection method: clinical testing. Allele origin: germline.
Comment: For these reasons, this variant has been classified as Pathogenic. This variant has not been reported in the literature in individuals affected with EVC2-related conditions. This variant is present in population databases (no rsID available, gnomAD 0.007%). This sequence change creates a premature translational stop signal (p.Leu388Argfs*24) in the EVC2 gene. It is expected to result in an absent or disrupted protein product. Loss-of-function variants in EVC2 are known to be pathogenic (PMID: 17024374, 19810119, 19876929).

Literature cited by the submitters: PubMed 17024374 (cited by Labcorp Genetics (formerly Invitae), Labcorp); PubMed 19810119 (cited by Labcorp Genetics (formerly Invitae), Labcorp); PubMed 19876929 (cited by Labcorp Genetics (formerly Invitae), Labcorp).

NM_147127.5(EVC2):c.1163del (p.Leu388fs)

Genes: EVC2 (EvC ciliary complex subunit 2; minus strand), LOC126806961 (BRD4-independent group 4 enhancer GRCh37_chr4:5641443-5642642; plus strand). Cytogenetic location: 4p16.2.
Variant type: Deletion.
Coding change: c.1163del on transcript NM_147127.5 (MANE Select); coding-DNA position 1163, one base deleted (T; older notation c.1163delT).
Protein change: p.Leu388fs; shifts the reading frame from leucine 388.
Molecular consequence: frameshift variant.
Genome position (GRCh38, 1-based): chr4:5,640,821, A deleted on the plus strand (T on the coding strand, the reverse complement: EVC2 is on the minus strand). VCF-style (leftmost placement, unchanged base first): chr4-5640820-CA-C. GRCh37 (hg19) VCF-style: chr4-5642547-CA-C.
Other names: c.923del, p.Leu308fs (NM_001166136.2); short protein forms L388fs, L308fs.
Identifiers: ClinVar variation 2951733 (VCV002951733.4), dbSNP rs1159674022, ClinGen allele CA549707383.